The following is an entry in ClinVar:

ClinVar aggregate classification (germline): Uncertain significance (1 of 4 stars; one submission).

Conditions:
EP300-related disorder. Also called: EP300-related condition; EP300-related disorders.

gnomAD v4.1: 1 of 1,614,008 alleles (0.000062%); highest among the groups gnomAD compares: African/African-American, 0.0013%; no homozygotes.

Submission:

PreventionGenetics, part of Exact Sciences
Classification: Uncertain significance for EP300-related condition. Last evaluated: 2025-08-10. Review status: criteria provided, single submitter. Criteria: ACMG Guidelines, 2015. Collection method: clinical testing. Allele origin: germline.
Comment: The EP300 c.5690C>T variant is predicted to result in the amino acid substitution p.Ser1897Phe. To our knowledge, this variant has not been reported in the literature or in a large population database (gnomAD), indicating this variant is rare. At this time, the clinical significance of this variant is uncertain due to the absence of conclusive functional and genetic evidence.

NM_001429.4(EP300):c.5690C>T (p.Ser1897Phe)

Gene: EP300 (EP300 lysine acetyltransferase; plus strand). Cytogenetic location: 22q13.2.
Variant type: single nucleotide variant.
Coding change: c.5690C>T on transcript NM_001429.4 (MANE Select); coding-DNA position 5690, C replaced by T.
Protein change: p.Ser1897Phe; replaces serine 1897 with phenylalanine.
Molecular consequence: missense variant.
Genome position (GRCh38, 1-based): chr22:41,177,401, C>T. VCF-style: chr22-41177401-C-T. GRCh37 (hg19) VCF-style: chr22-41573405-C-T.
Other names: c.5612C>T, p.Ser1871Phe (NM_001362843.2); short protein forms S1871F, S1897F.
Identifiers: ClinVar variation 4995077 (VCV004995077.1).
Genomic context (GRCh38, chr22:41,177,401, plus strand): 5'-CTACCCCTCCCAATAGCATGCCACCCTACTTGCCCAGGACTCAAGCTGCTGGCCCTGTGT[C>T]CCAGGGTAAGGCAGCAGGCCAGGTGACCCCTCCAACCCCTCCTCAGACTGCTCAGCCACC-3'
Protein context (NP_001420.2, residues 1887-1907): LPRTQAAGPV[Ser1897Phe]QGKAAGQVTP